The following is an entry in ClinVar:

ClinVar aggregate classification (germline): Uncertain significance (1 of 4 stars; one submission).

Conditions:
MED13-related disorder. Also called: MED13-related condition.

Submission:

PreventionGenetics, part of Exact Sciences
Classification: Uncertain significance for MED13-related condition. Last evaluated: 2023-04-19. Review status: criteria provided, single submitter. Criteria: ACMG Guidelines, 2015. Collection method: clinical testing. Allele origin: germline.
Comment: The MED13 c.309_311delAGA variant is predicted to result in an in-frame deletion (p.Glu103del). To our knowledge, this variant has not been reported in the literature or in a large population database, indicating this variant is rare. At this time, the clinical significance of this variant is uncertain due to the absence of conclusive functional and genetic evidence.

NM_005121.2(MED13):c.309_311delAGA

Gene: MED13 (mediator complex subunit 13; minus strand). Cytogenetic location: 17q23.2.
Variant type: Microsatellite.
Coding change: c.309_311delAGA on transcript NM_005121.2; coding-DNA positions 309 to 311, 3 bases deleted (AGA).
Genome position (GRCh38, 1-based): chr17:62,052,696-62,052,698, TCT deleted on the plus strand (AGA on the coding strand, the reverse complement: MED13 is on the minus strand); deleting any 3 consecutive bases within chr17:62,052,696-62,052,707 gives the same sequence; the c. name uses the placement nearest the transcript's 3' end. VCF-style (leftmost placement, unchanged base first): chr17-62052695-ATCT-A. GRCh37 (hg19) VCF-style: chr17-60130056-ATCT-A.
Identifiers: ClinVar variation 2629557 (VCV002629557.1), dbSNP rs2509205671, ClinGen allele CA627153657.